The following is an entry in ClinVar:

ClinVar aggregate classification (germline): Uncertain significance. Review status: criteria provided, multiple submitters, no conflicts (2 of 4 stars). 4 submissions from 4 submitters: Uncertain significance (4). Last evaluated 2025-02-03.

Conditions:
Inborn genetic diseases. Identifiers: MedGen C0950123, MeSH D030342.
Glycogen storage disease type III (GSD3). Also called: Cori disease; FORBES DISEASE. Identifiers: Orphanet 366, MedGen C0017922, MONDO:0009291, OMIM 232400.

Allele frequency attached by ClinVar (database versions not stated): gnomAD 0.00001; gnomAD exomes 0.00001; ExAC 0.00002; TOPMed 0.00002.
gnomAD v4.1: 5 of 1,614,050 alleles (0.00031%); highest among the groups gnomAD compares: Admixed American, 0.0033%; no homozygotes.

Submissions (4):

Mayo Clinic Laboratories, Mayo Clinic
Classification: Uncertain significance. Last evaluated: 2025-02-03. Review status: criteria provided, single submitter. Criteria: ACMG Guidelines, 2015. Collection method: clinical testing. Allele origin: germline. Observed: 1 variant allele.

Ambry Genetics
Classification: Uncertain significance for Inborn genetic diseases. Last evaluated: 2023-12-15. Review status: criteria provided, single submitter. Criteria: Ambry Variant Classification Scheme 2023. Collection method: clinical testing. Allele origin: germline.

Revvity Omics, Revvity
Classification: Uncertain significance for Glycogen storage disease type III. Last evaluated: 2023-06-09. Review status: criteria provided, single submitter. Criteria: ACMG Guidelines, 2015. Collection method: clinical testing. Allele origin: germline.

Labcorp Genetics (formerly Invitae), Labcorp
Classification: Uncertain significance for Glycogen storage disease type III. Last evaluated: 2022-08-16. Review status: criteria provided, single submitter. Criteria: Invitae Variant Classification Sherloc (09022015). Collection method: clinical testing. Allele origin: germline.
Comment: This sequence change replaces histidine, which is basic and polar, with arginine, which is basic and polar, at codon 412 of the AGL protein (p.His412Arg). This variant is present in population databases (rs762046235, gnomAD 0.01%). This variant has not been reported in the literature in individuals affected with AGL-related conditions. ClinVar contains an entry for this variant (Variation ID: 1023992). Algorithms developed to predict the effect of missense changes on protein structure and function (SIFT, PolyPhen-2, Align-GVGD) all suggest that this variant is likely to be tolerated. In summary, the available evidence is currently insufficient to determine the role of this variant in disease. Therefore, it has been classified as a Variant of Uncertain Significance.

NM_000642.3(AGL):c.1235A>G (p.His412Arg)

Gene: AGL (amylo-alpha-1,6-glucosidase and 4-alpha-glucanotransferase; plus strand). Cytogenetic location: 1p21.2.
Variant type: single nucleotide variant.
Coding change: c.1235A>G on transcript NM_000642.3 (MANE Select); coding-DNA position 1235, A replaced by G.
Protein change: p.His412Arg; replaces histidine 412 with arginine.
Molecular consequence: missense variant.
Genome position (GRCh38, 1-based): chr1:99,875,407, A>G. VCF-style: chr1-99875407-A-G. GRCh37 (hg19) VCF-style: chr1-100340963-A-G.
Other names: p.His412Arg; c.1235A>G, p.His412Arg (NM_000028.3, NM_000643.3, NM_000644.3 and 2 more transcripts); c.1187A>G, p.His396Arg (NM_000646.3); c.1031A>G, p.His344Arg (NM_001425328.1, NM_001425329.1); c.857A>G, p.His286Arg (NM_001425332.1); c.1235A>G (NM_000642.2); short protein forms H396R, H412R, H286R, H344R.
Identifiers: ClinVar variation 1023992 (VCV001023992.8), dbSNP rs762046235, ClinGen allele CA966434.
Genomic context (GRCh38, chr1:99,875,407, plus strand): 5'-ATGTTTTTCAGGCAGTTAATTGCCTTTTGGGAAATGTGTTTTATGAACGACTGGCTGGCC[A>G]TGGTCCAAAACTAGGACCTGTCACTAGAAAGCATCCTTTAGTTACCAGGTGTTGCATTTT-3'
Protein context (NP_000633.2, residues 402-422): GNVFYERLAG[His412Arg]GPKLGPVTRK